The following is an entry in ClinVar:

ClinVar aggregate classification (germline): Uncertain significance. Review status: criteria provided, multiple submitters, no conflicts (2 of 4 stars). 4 submissions from 4 submitters: Uncertain significance (4). Last evaluated 2026-01-26.

Conditions:
Inborn genetic diseases. Identifiers: MedGen C0950123, MeSH D030342.
Muscle AMP deaminase deficiency (MMDD). Also called: AMPD1 DEFICIENCY; ADENOSINE MONOPHOSPHATE DEAMINASE-1 DEFICIENCY, MYOPATHY DUE TO; Myoadenylate deaminase deficiency, myopathy due to; Adenosine monophosphate deaminase 1 deficiency; AMP deaminase 1 deficiency; Adenosine Monophosphate Deaminase 1. Identifiers: Orphanet 45, MedGen C3714933, MONDO:0014220, OMIM 615511.

Allele frequency attached by ClinVar (database versions not stated): gnomAD exomes 0.00015 and 0.00018; ExAC 0.00020; ESP Exome Variant Server 0.00038; gnomAD 0.00040 and 0.00042; TOPMed 0.00055; 1000 Genomes Project 0.00080; 1000 Genomes Project 30x 0.00094.
gnomAD v4.1: 297 of 1,614,208 alleles (0.018%); highest among the groups gnomAD compares: Admixed American, 0.11%; no homozygotes.

Submissions (4):

Labcorp Genetics (formerly Invitae), Labcorp
Classification: Uncertain significance for Muscle AMP deaminase deficiency. Last evaluated: 2026-01-26. Review status: criteria provided, single submitter. Criteria: Invitae Variant Classification Sherloc (09022015). Collection method: clinical testing. Allele origin: germline.
Comment: This sequence change replaces lysine, which is basic and polar, with glutamic acid, which is acidic and polar, at codon 263 of the AMPD1 protein (p.Lys263Glu). This variant is present in population databases (rs138705920, gnomAD 0.04%). This variant has not been reported in the literature in individuals affected with AMPD1-related conditions. ClinVar contains an entry for this variant (Variation ID: 1498037). Invitae Evidence Modeling of protein sequence and biophysical properties (such as structural, functional, and spatial information, amino acid conservation, physicochemical variation, residue mobility, and thermodynamic stability) indicates that this missense variant is not expected to disrupt AMPD1 protein function with a negative predictive value of 80%. In summary, the available evidence is currently insufficient to determine the role of this variant in disease. Therefore, it has been classified as a Variant of Uncertain Significance.

Ambry Genetics
Classification: Uncertain significance for Inborn genetic diseases. Last evaluated: 2021-07-21. Review status: criteria provided, single submitter. Criteria: Ambry Variant Classification Scheme 2023. Collection method: clinical testing. Allele origin: germline.

Revvity Omics, Revvity
Classification: Uncertain significance for Muscle AMP deaminase deficiency. Last evaluated: 2020-01-13. Review status: criteria provided, single submitter. Criteria: ACMG Guidelines, 2015. Collection method: clinical testing. Allele origin: germline.

Breakthrough Genomics
Classification: Uncertain significance. Review status: criteria provided, single submitter. Criteria: ACMG Guidelines, 2015. Collection method: not provided. Allele origin: germline. Inheritance: Autosomal recessive inheritance. Affected: yes.

NM_000036.3(AMPD1):c.688A>G (p.Lys230Glu)

Gene: AMPD1 (adenosine monophosphate deaminase 1; minus strand). Cytogenetic location: 1p13.2.
Variant type: single nucleotide variant.
Coding change: c.688A>G on transcript NM_000036.3 (MANE Select); coding-DNA position 688, A replaced by G.
Protein change: p.Lys230Glu; replaces lysine 230 with glutamic acid.
Molecular consequence: missense variant.
Genome position (GRCh38, 1-based): chr1:114,680,338, T>C on the plus strand (A>G on the coding strand, the complement: AMPD1 is on the minus strand). VCF-style: chr1-114680338-T-C. GRCh37 (hg19) VCF-style: chr1-115222959-T-C.
Other names: c.676A>G, p.Lys226Glu (NM_001172626.2); c.787A>G (NM_000036.2); short protein forms K230E, K226E.
Identifiers: ClinVar variation 1498037 (VCV001498037.10), dbSNP rs138705920, ClinGen allele CA1020341.
Genomic context (GRCh38, chr1:114,680,338, plus strand): 5'-AAGCAAGTAAAAAATTCATATCGTCTAAGAAGGTGTCCAGATTTGGGTAAGGAAGTGGCT[T>C]AGGCTCATCTTTGCTGACTGCTGCTTCATTAGGATAGACGTAAACTACACCGTCCTTCAT-3'
Protein context (NP_000027.3, residues 220-240): NEAAVSKDEP[Lys230Glu]PLPYPNLDTF